The following is an entry in ClinVar:

NM_001205293.3(CACNA1E):c.1638+10C>T

Gene: CACNA1E (calcium voltage-gated channel subunit alpha1 E; plus strand). Cytogenetic location: 1q25.3.
Variant type: single nucleotide variant.
Coding change: c.1638+10C>T on transcript NM_001205293.3 (MANE Select); 10 bases into the intron after coding-DNA position 1638, C replaced by T.
Molecular consequence: intron variant.
Genome position (GRCh38, 1-based): chr1:181,718,177, C>T. VCF-style: chr1-181718177-C-T. GRCh37 (hg19) VCF-style: chr1-181687313-C-T.
Other names: c.1638+10C>T (NM_000721.4, NM_001205294.2, NM_000721.3).
Identifiers: ClinVar variation 1596000 (VCV001596000.11), dbSNP rs371576889, ClinGen allele CA1275155.

ClinVar aggregate classification (germline): Likely benign. Review status: criteria provided, multiple submitters, no conflicts (2 of 4 stars). 3 submissions from 3 submitters: Likely benign (2). 1 of the submissions does not count toward it. Last evaluated 2026-02-02.

Conditions:
CACNA1E-related disorder. Also called: CACNA1E-related condition.

Allele frequency attached by ClinVar (database versions not stated): ESP Exome Variant Server 0.00017.
gnomAD v4.1: 214 of 1,417,506 alleles (0.015%); highest among the groups gnomAD compares: Middle Eastern, 0.21%; no homozygotes.

Submissions (3):

Labcorp Genetics (formerly Invitae), Labcorp
Classification: Likely benign. Last evaluated: 2026-02-02. Review status: criteria provided, single submitter. Criteria: Invitae Variant Classification Sherloc (09022015). Collection method: clinical testing. Allele origin: germline.

Blueprint Genetics
Classification: Likely benign. Last evaluated: 2024-11-20. Review status: criteria provided, single submitter. Criteria: ACMG Guidelines, 2015. Collection method: clinical testing. Allele origin: germline.

PreventionGenetics, part of Exact Sciences
Classification: Likely benign for CACNA1E-related condition. Last evaluated: 2024-01-04. Review status: no assertion criteria provided. Collection method: clinical testing. Allele origin: germline. Not counted in ClinVar's aggregate classification.
Comment: This variant is classified as likely benign based on ACMG/AMP sequence variant interpretation guidelines (Richards et al. 2015 PMID: 25741868, with internal and published modifications).